The following is an entry in ClinVar:

ClinVar aggregate classification (germline): Uncertain significance. Review status: criteria provided, multiple submitters, no conflicts (2 of 4 stars). 5 submissions from 5 submitters: Uncertain significance (5). Last evaluated 2026-08-26.

Conditions:
Severe combined immunodeficiency due to CARMIL2 deficiency. Also called: IMMUNODEFICIENCY 58. Identifiers: Orphanet 542301, MedGen C4748304, MONDO:0029134, OMIM 618131.

Allele frequency attached by ClinVar (database versions not stated): TOPMed 0.00002; gnomAD 0.00003.

Submissions (5):

GeneDx
Classification: Uncertain significance. Last evaluated: 2026-08-26. Review status: criteria provided, single submitter. Criteria: GeneDx Variant Classification Process June 2021. Collection method: clinical testing. Allele origin: germline.
Comment: Not observed at significant frequency in large population cohorts (gnomAD); In silico analysis suggests that this missense variant does not alter protein structure/function; Has not been previously published as pathogenic or benign to our knowledge

Labcorp Genetics (formerly Invitae), Labcorp
Classification: Uncertain significance. Last evaluated: 2025-12-03. Review status: criteria provided, single submitter. Criteria: Invitae Variant Classification Sherloc (09022015). Collection method: clinical testing. Allele origin: germline.
Comment: This sequence change replaces aspartic acid, which is acidic and polar, with asparagine, which is neutral and polar, at codon 477 of the CARMIL2 protein (p.Asp477Asn). This variant is not present in population databases (gnomAD no frequency). This variant has not been reported in the literature in individuals affected with CARMIL2-related conditions. ClinVar contains an entry for this variant (Variation ID: 636842). Invitae Evidence Modeling of protein sequence and biophysical properties (such as structural, functional, and spatial information, amino acid conservation, physicochemical variation, residue mobility, and thermodynamic stability) indicates that this missense variant is not expected to disrupt CARMIL2 protein function with a negative predictive value of 80%. In summary, the available evidence is currently insufficient to determine the role of this variant in disease. Therefore, it has been classified as a Variant of Uncertain Significance.

CeGaT Center for Human Genetics Tuebingen
Classification: Uncertain significance. Last evaluated: 2024-12-01. Review status: criteria provided, single submitter. Criteria: CeGaT Center For Human Genetics Tuebingen Variant Classification Criteria Version 2. Collection method: clinical testing. Allele origin: germline. Affected: yes. Observed: 1 variant allele.
Comment: CARMIL2: PM2, BP4

Fulgent Genetics
Classification: Uncertain significance for Severe combined immunodeficiency due to CARMIL2 deficiency. Last evaluated: 2024-04-16. Review status: criteria provided, single submitter. Criteria: ACMG Guidelines, 2015. Collection method: clinical testing. Allele origin: germline.

Blueprint Genetics
Classification: Uncertain significance. Last evaluated: 2022-11-21. Review status: criteria provided, single submitter. Criteria: ACMG Guidelines, 2015. Collection method: clinical testing. Allele origin: germline.

NM_001013838.3(CARMIL2):c.1429G>A (p.Asp477Asn)

Gene: CARMIL2 (capping protein regulator and myosin 1 linker 2; plus strand). Cytogenetic location: 16q22.1.
Variant type: single nucleotide variant.
Coding change: c.1429G>A on transcript NM_001013838.3 (MANE Select); coding-DNA position 1429, G replaced by A.
Protein change: p.Asp477Asn; replaces aspartic acid 477 with asparagine.
Molecular consequence: missense variant.
Genome position (GRCh38, 1-based): chr16:67,648,492, G>A. VCF-style: chr16-67648492-G-A. GRCh37 (hg19) VCF-style: chr16-67682395-G-A.
Other names: c.1321G>A, p.Asp441Asn (NM_001317026.3); short protein forms D477N, D441N.
Identifiers: ClinVar variation 636842 (VCV000636842.24), dbSNP rs925043435, ClinGen allele CA283204198.